The following is an entry in ClinVar:

ClinVar aggregate classification (germline): Uncertain significance (1 of 4 stars; one submission).

Conditions:
Dyskeratosis congenita. Identifiers: Orphanet 1775, MedGen C0265965, MONDO:0015780.

Submission:

Labcorp Genetics (formerly Invitae), Labcorp
Classification: Uncertain significance for Dyskeratosis congenita. Last evaluated: 2022-02-10. Review status: criteria provided, single submitter. Criteria: Invitae Variant Classification Sherloc (09022015). Collection method: clinical testing. Allele origin: germline.
Comment: This sequence change replaces lysine, which is basic and polar, with arginine, which is basic and polar, at codon 52 of the NHP2 protein (p.Lys52Arg). This variant is not present in population databases (gnomAD no frequency). This variant has not been reported in the literature in individuals affected with NHP2-related conditions. In summary, the available evidence is currently insufficient to determine the role of this variant in disease. Therefore, it has been classified as a Variant of Uncertain Significance. Algorithms developed to predict the effect of missense changes on protein structure and function (SIFT, PolyPhen-2, Align-GVGD) all suggest that this variant is likely to be tolerated.

NM_017838.4(NHP2):c.155A>G (p.Lys52Arg)

Gene: NHP2 (NHP2 ribonucleoprotein; minus strand). Cytogenetic location: 5q35.3.
Variant type: single nucleotide variant.
Coding change: c.155A>G on transcript NM_017838.4 (MANE Select); coding-DNA position 155, A replaced by G.
Protein change: p.Lys52Arg; replaces lysine 52 with arginine.
Molecular consequence: missense variant.
Genome position (GRCh38, 1-based): chr5:178,153,663, T>C on the plus strand (A>G on the coding strand, the complement: NHP2 is on the minus strand). VCF-style: chr5-178153663-T-C. GRCh37 (hg19) VCF-style: chr5-177580664-T-C.
Other names: c.155A>G, p.Lys52Arg (NM_001034833.2); short protein forms K52R.
Identifiers: ClinVar variation 1448128 (VCV001448128.8), dbSNP rs2113476542, ClinGen allele CA362392737.
Genomic context (GRCh38, chr5:178,153,663, plus strand): 5'-CCGCGCACCCATCCCACCCGCGCACCCATCCCGGCCACGCCGCCGTCCGCCTCACCTTTC[T>C]TGATGCATTTGTAGAGCTTCCGCGTGAGGCGGCGAGAAGCCAGGGGCTGCGCGATGGGGT-3'
Protein context (NP_060308.1, residues 42-62): RLTRKLYKCI[Lys52Arg]KAVKQKQIRR